The following is an entry in ClinVar:

NM_032776.3(JMJD1C):c.1082_1098del (p.Lys361fs)

Gene: JMJD1C (jumonji domain containing 1C; minus strand). Cytogenetic location: 10q21.3.
Variant type: Deletion.
Coding change: c.1082_1098del on transcript NM_032776.3 (MANE Select); coding-DNA positions 1082 to 1098, 17 bases deleted (AACTAAATATGAAAAGA).
Protein change: p.Lys361fs; shifts the reading frame from lysine 361.
Molecular consequence: frameshift variant. On other transcripts: non-coding transcript variant (1).
Genome position (GRCh38, 1-based): chr10:63,215,069-63,215,085, TCTTTTCATATTTAGTT deleted on the plus strand (AACTAAATATGAAAAGA on the coding strand, the reverse complement: JMJD1C is on the minus strand); deleting any 17 consecutive bases within chr10:63,215,069-63,215,094 gives the same sequence; the c. name uses the placement nearest the transcript's 3' end. VCF-style (leftmost placement, unchanged base first): chr10-63215068-GTCTTTTCATATTTAGTT-G. GRCh37 (hg19) VCF-style: chr10-64974828-GTCTTTTCATATTTAGTT-G.
Other names: c.1082_1098del17 (NM_032776.2); c.536_552del, p.Lys179fs (NM_001282948.2, NM_001318154.2); c.218_234del, p.Lys73fs (NM_001318153.2); c.968_984del, p.Lys323fs (NM_001322252.2); c.425_441del, p.Lys142fs (NM_001322254.2, NM_001322258.2); c.1082_1098del (NM_032776.2); short protein forms K142fs, K179fs, K323fs, K361fs, K73fs.
Identifiers: ClinVar variation 804312 (VCV000804312.2), dbSNP rs1589170028, ClinGen allele CA915945921.

ClinVar aggregate classification (germline): Uncertain significance (1 of 4 stars; one submission).

Submission:

GeneDx
Classification: Uncertain significance. Last evaluated: 2025-01-10. Review status: criteria provided, single submitter. Criteria: GeneDx Variant Classification Process June 2021. Collection method: clinical testing. Allele origin: germline. Affected: yes.
Comment: Reported previously as a de novo variant in a patient with cleft lip and palate, developmental delays, and suspected seizures, who also harbored a paternally inherited variant of uncertain significance in a separate gene (PMID: 31954878); Not observed at significant frequency in large population cohorts (gnomAD); Frameshift variant predicted to result in protein truncation or nonsense mediated decay in a gene for which loss-of-function is not an established mechanism of disease; Variants in candidate genes are classified as variants of uncertain significance in accordance with ACMG guidelines (PMID: 25741868); This variant is associated with the following publications: (PMID: 31954878)